The following is an entry in ClinVar:

ClinVar aggregate classification (germline): Pathogenic (1 of 4 stars; one submission).

Conditions:
Curry-Hall syndrome (WAD). Also called: WEYERS ACRODENTAL DYSOSTOSIS. Identifiers: Orphanet 952, MedGen C0457013, MONDO:0008673, OMIM 193530.
Ellis-van Creveld syndrome (EVC). Also called: EVC-Related Ellis-van Creveld Syndrome; EVC2-Related Ellis-van Creveld Syndrome; MESOECTODERMAL DYSPLASIA; Chondroectodermal dysplasia. Identifiers: Orphanet 289, MedGen C0013903, MONDO:0009162, OMIM 225500.

Submission:

Labcorp Genetics (formerly Invitae), Labcorp
Classification: Pathogenic for Curry-Hall syndrome; Ellis-van Creveld syndrome. Last evaluated: 2020-03-23. Review status: criteria provided, single submitter. Criteria: Invitae Variant Classification Sherloc (09022015). Collection method: clinical testing. Allele origin: germline.
Comment: This variant has not been reported in the literature in individuals with EVC2-related conditions. For these reasons, this variant has been classified as Pathogenic. This variant disrupts the C-terminus of the EVC2 protein. Other variant(s) that disrupt this region (p.Ser1220Argfs*3) have been determined to be pathogenic (PMID: 12571802, 17024374, 19810119, 23220543). This suggests that variants that disrupt this region of the protein are likely to be causative of disease. This variant is a gross deletion of the genomic region encompassing exons 21-22 of the EVC2 gene. The 5' boundary is likely confined to intron 20. The 3' end of this event is unknown as it extends through the termination codon beyond the assayed region for this gene and may encompass additional genes. While this deletion is not anticipated to result in nonsense mediated decay, it is expected to create a truncated protein product or disrupt mRNA translation.

Literature cited by the submitters: PubMed 12571802; PubMed 17024374; PubMed 19810119; PubMed 23220543.

NC_000004.12:g.(?_5562848)_(5565369_?)del

Gene: EVC2 (EvC ciliary complex subunit 2; minus strand). Cytogenetic location: 4p16.2.
Variant type: Deletion.
Identifiers: ClinVar variation 830808 (VCV000830808.4).